The following is an entry in ClinVar:

NM_182948.4(PRKACB):c.250-472G>A

Gene: PRKACB (protein kinase cAMP-activated catalytic subunit beta; plus strand). Cytogenetic location: 1p31.1.
Variant type: single nucleotide variant.
Coding change: c.250-472G>A on transcript NM_182948.4 (MANE Select); 472 bases into the intron before coding-DNA position 250, G replaced by A.
Molecular consequence: intron variant. On other transcripts: synonymous variant (1).
Genome position (GRCh38, 1-based): chr1:84,181,728, G>A. VCF-style: chr1-84181728-G-A. GRCh37 (hg19) VCF-style: chr1-84647411-G-A.
Other names: c.69G>A (NM_001242862.2); c.69G>A, p.Gln23= (NM_001242862.3); c.109-472G>A (NM_002731.4, NM_001375576.1, NM_207578.3); c.250-472G>A (NM_001300916.2); c.130-472G>A (NM_001242857.3, NM_001375581.1, NM_001375569.1); c.121-472G>A (NM_001242859.3, NM_001375572.1); c.106-472G>A (NM_001375562.1); c.97-472G>A (NM_001375563.1); and 6 more.
Identifiers: ClinVar variation 3898110 (VCV003898110.8).
Genomic context (GRCh38, chr1:84,181,728, plus strand): 5'-ACTATCTAGTTCTATAAGCTTATATAAAGACAGAAATGAAGCAAGACTGATTTCTTCACA[G>A]GTAACTTTAGTGAAAGAGCTCTGATCCCTCAGTTTATCTATTCATTACAGTTATTTGCAA-3'

ClinVar aggregate classification (germline): Likely benign. Review status: criteria provided, multiple submitters, no conflicts (2 of 4 stars). 2 submissions from 2 submitters: Likely benign (2). Last evaluated 2026-07-01.

Conditions:
PRKACB-related disorder. Also called: PRKACB-related condition.

gnomAD v4.1: 1,167 of 1,509,634 alleles (0.077%); highest among the groups gnomAD compares: Non-Finnish European, 0.097%; 1 homozygote.

Submissions (2):

CeGaT Center for Human Genetics Tuebingen
Classification: Likely benign. Last evaluated: 2026-07-01. Review status: criteria provided, single submitter. Criteria: CeGaT Center For Human Genetics Tuebingen Variant Classification Criteria Version 2. Collection method: clinical testing. Allele origin: germline. Affected: yes. Observed: 2 variant alleles.
Comment: PRKACB: BP4, BP7

PreventionGenetics, part of Exact Sciences
Classification: Likely benign for PRKACB-related condition. Last evaluated: 2025-04-12. Review status: criteria provided, single submitter. Criteria: ACMG Guidelines, 2015. Collection method: clinical testing. Allele origin: germline.
Comment: This variant is classified as likely benign based on ACMG/AMP sequence variant interpretation guidelines (Richards et al. 2015 PMID: 25741868, with internal and published modifications).